The following is an entry in ClinVar:

NM_000388.4(CASR):c.2048C>T (p.Ala683Val)

Gene: CASR (calcium sensing receptor; plus strand). Cytogenetic location: 3q21.1.
Variant type: single nucleotide variant.
Coding change: c.2048C>T on transcript NM_000388.4 (MANE Select); coding-DNA position 2048, C replaced by T.
Protein change: p.Ala683Val; replaces alanine 683 with valine.
Molecular consequence: missense variant.
Genome position (GRCh38, 1-based): chr3:122,284,002, C>T. VCF-style: chr3-122284002-C-T. GRCh37 (hg19) VCF-style: chr3-122002849-C-T.
Other names: c.2078C>T, p.Ala693Val (NM_001178065.2); short protein forms A693V, A683V.
Identifiers: ClinVar variation 1393307 (VCV001393307.8), dbSNP rs1449068520, ClinGen allele CA354158379.

ClinVar aggregate classification (germline): Uncertain significance. Review status: criteria provided, multiple submitters, no conflicts (2 of 4 stars). 2 submissions from 2 submitters: Uncertain significance (2). Last evaluated 2025-01-06.

Conditions:
Familial hypocalciuric hypercalcemia (FHH). Also called: Familial benign hypercalcemia. Identifiers: Orphanet 405, MedGen C1809471, MONDO:0018458.
Autosomal dominant hypocalcemia 1 (HYPOC1). Also called: HYPOCALCEMIA, FAMILIAL. Identifiers: MedGen C3715128, MONDO:0011013, OMIM 601198.

Allele frequency attached by ClinVar (database versions not stated): gnomAD exomes below 0.00001 and 0.00001.
gnomAD v4.1: 2 of 1,613,898 alleles (0.00012%); highest among the groups gnomAD compares: Admixed American, 0.0033%; no homozygotes.

Submissions (2):

Labcorp Genetics (formerly Invitae), Labcorp
Classification: Uncertain significance for Familial hypocalciuric hypercalcemia; Autosomal dominant hypocalcemia 1. Last evaluated: 2025-01-06. Review status: criteria provided, single submitter. Criteria: Invitae Variant Classification Sherloc (09022015). Collection method: clinical testing. Allele origin: germline.
Comment: This sequence change replaces alanine, which is neutral and non-polar, with valine, which is neutral and non-polar, at codon 683 of the CASR protein (p.Ala683Val). This variant is present in population databases (no rsID available, gnomAD 0.006%). This missense change has been observed in individual(s) with familial hypercalcemia hypocalciuria (PMID: 31672324). ClinVar contains an entry for this variant (Variation ID: 1393307). An algorithm developed to predict the effect of missense changes on protein structure and function (PolyPhen-2) suggests that this variant is likely to be disruptive. In summary, the available evidence is currently insufficient to determine the role of this variant in disease. Therefore, it has been classified as a Variant of Uncertain Significance.

Women's Health and Genetics/Laboratory Corporation of America, LabCorp
Classification: Uncertain significance. Last evaluated: 2024-03-04. Review status: criteria provided, single submitter. Criteria: LabCorp Variant Classification Summary - May 2015. Collection method: clinical testing. Allele origin: germline.
Comment: Variant summary: CASR c.2048C>T (p.Ala683Val) results in a non-conservative amino acid change located in the GPCR family 3, C-terminal domain (IPR017978) of the encoded protein sequence. Four of five in-silico tools predict a damaging effect of the variant on protein function. The variant allele was found at a frequency of 8e-06 in 251296 control chromosomes. The available data on variant occurrences in the general population are insufficient to allow any conclusion about variant significance. c.2048C>T has been reported in the literature in at least one individual affected with Autosomal Dominant Hypocalcemia (e.g., Hureaux_2019). These data do not allow any conclusion about variant significance. To our knowledge, no experimental evidence demonstrating an impact on protein function has been reported. The following publication have been ascertained in the context of this evaluation (PMID: 31672324). ClinVar contains an entry for this variant (Variation ID: 1393307). Based on the evidence outlined above, the variant was classified as uncertain significance.

Literature cited by the submitters: PubMed 31672324 (cited by Labcorp Genetics (formerly Invitae), Labcorp and Women's Health and Genetics/Laboratory Corporation of America, LabCorp).